The following is an entry in ClinVar:

NM_020987.5(ANK3):c.865G>A (p.Asp289Asn)

Gene: ANK3 (ankyrin 3; minus strand). Cytogenetic location: 10q21.2.
Variant type: single nucleotide variant.
Coding change: c.865G>A on transcript NM_020987.5 (MANE Select); coding-DNA position 865, G replaced by A.
Protein change: p.Asp289Asn; replaces aspartic acid 289 with asparagine.
Molecular consequence: missense variant.
Genome position (GRCh38, 1-based): chr10:60,234,720, C>T on the plus strand (G>A on the coding strand, the complement: ANK3 is on the minus strand). VCF-style: chr10-60234720-C-T. GRCh37 (hg19) VCF-style: chr10-61994478-C-T.
Other names: c.847G>A, p.Asp283Asn (NM_001204403.2); c.814G>A, p.Asp272Asn (NM_001204404.2); c.865G>A, p.Asp289Asn (NM_001320874.2); short protein forms D283N, D272N, D289N.
Identifiers: ClinVar variation 1962313 (VCV001962313.5), dbSNP rs200811814, ClinGen allele CA5513300.

ClinVar aggregate classification (germline): Uncertain significance (1 of 4 stars; one submission).

Allele frequency attached by ClinVar (database versions not stated): gnomAD exomes below 0.00001; TOPMed 0.00001.
gnomAD v4.1: 8 of 1,613,308 alleles (0.0005%); highest among the groups gnomAD compares: African/African-American, 0.0027%; no homozygotes.

Submission:

Labcorp Genetics (formerly Invitae), Labcorp
Classification: Uncertain significance. Last evaluated: 2022-03-12. Review status: criteria provided, single submitter. Criteria: Invitae Variant Classification Sherloc (09022015). Collection method: clinical testing. Allele origin: germline.
Comment: In summary, the available evidence is currently insufficient to determine the role of this variant in disease. Therefore, it has been classified as a Variant of Uncertain Significance. Algorithms developed to predict the effect of missense changes on protein structure and function are either unavailable or do not agree on the potential impact of this missense change (SIFT: "Not Available"; PolyPhen-2: "Possibly Damaging"; Align-GVGD: "Not Available"). This variant has not been reported in the literature in individuals affected with ANK3-related conditions. This variant is present in population databases (rs200811814, gnomAD 0.006%). This sequence change replaces aspartic acid, which is acidic and polar, with asparagine, which is neutral and polar, at codon 289 of the ANK3 protein (p.Asp289Asn).